The following is an entry in ClinVar:

NM_001035.3(RYR2):c.10888G>C (p.Glu3630Gln)

Gene: RYR2 (ryanodine receptor 2; plus strand). Cytogenetic location: 1q43.
Variant type: single nucleotide variant.
Coding change: c.10888G>C on transcript NM_001035.3 (MANE Select); coding-DNA position 10888, G replaced by C.
Protein change: p.Glu3630Gln; replaces glutamic acid 3630 with glutamine.
Molecular consequence: missense variant.
Genome position (GRCh38, 1-based): chr1:237,730,309, G>C. VCF-style: chr1-237730309-G-C. GRCh37 (hg19) VCF-style: chr1-237893609-G-C.
Other names: short protein forms E3630Q.
Identifiers: ClinVar variation 1056206 (VCV001056206.11), dbSNP rs747565166, ClinGen allele CA084575.

ClinVar aggregate classification (germline): Uncertain significance. Review status: criteria provided, multiple submitters, no conflicts (2 of 4 stars). 2 submissions from 2 submitters: Uncertain significance (2). Last evaluated 2024-05-09.

Conditions:
Catecholaminergic polymorphic ventricular tachycardia (CVPT). Also called: Catecholamine-induced polymorphic ventricular tachycardia. Identifiers: Orphanet 3286, MedGen C5574922, MONDO:0017990.
Catecholaminergic polymorphic ventricular tachycardia 1. Also called: VENTRICULAR TACHYCARDIA, STRESS-INDUCED POLYMORPHIC 1; VENTRICULAR TACHYCARDIA, CATECHOLAMINERGIC POLYMORPHIC, 1, WITH OR WITHOUT ATRIAL DYSFUNCTION AND/OR DILATED CARDIOMYOPATHY; RYR2-Related Catecholaminergic Polymorphic Ventricular Tachycardia. Identifiers: Orphanet 3286, MedGen C1631597, MONDO:0011484, OMIM 604772.

Allele frequency attached by ClinVar (database versions not stated): gnomAD exomes below 0.00001.
gnomAD v4.1: 2 of 1,607,906 alleles (0.00012%); highest among the groups gnomAD compares: Admixed American, 0.0017%; no homozygotes.

Submissions (2):

All of Us Research Program, National Institutes of Health
Classification: Uncertain significance for Catecholaminergic polymorphic ventricular tachycardia. Last evaluated: 2024-05-09. Review status: criteria provided, single submitter. Criteria: ACMG Guidelines, 2015. Collection method: clinical testing. Allele origin: germline. Inheritance: Autosomal dominant inheritance. Observed: 1 variant allele, 1 heterozygote.
Comment: This study involves interpretation of variants in research participants for the purpose of population health screening. Participant phenotype was not available at the time of variant classification. Additional details can be found in publication PMID: 35346344, PMCID: PMC8962531

Labcorp Genetics (formerly Invitae), Labcorp
Classification: Uncertain significance for Catecholaminergic polymorphic ventricular tachycardia 1. Last evaluated: 2022-08-24. Review status: criteria provided, single submitter. Criteria: Invitae Variant Classification Sherloc (09022015). Collection method: clinical testing. Allele origin: germline.
Comment: In summary, the available evidence is currently insufficient to determine the role of this variant in disease. Therefore, it has been classified as a Variant of Uncertain Significance. Advanced modeling of protein sequence and biophysical properties (such as structural, functional, and spatial information, amino acid conservation, physicochemical variation, residue mobility, and thermodynamic stability) performed at Invitae indicates that this missense variant is not expected to disrupt RYR2 protein function. This variant is present in population databases (rs747565166, gnomAD 0.003%). This sequence change replaces glutamic acid, which is acidic and polar, with glutamine, which is neutral and polar, at codon 3630 of the RYR2 protein (p.Glu3630Gln). This variant has not been reported in the literature in individuals affected with RYR2-related conditions. ClinVar contains an entry for this variant (Variation ID: 1056206).